The following is an entry in ClinVar:

ClinVar aggregate classification (germline): Conflicting classifications of pathogenicity. Review status: criteria provided, conflicting classifications (1 of 4 stars). 2 submissions from 2 submitters: Uncertain significance (1); Likely benign (1). Last evaluated 2025-07-18.

gnomAD v4.1: 16 of 1,613,680 alleles (0.00099%); highest among the groups gnomAD compares: African/African-American, 0.0053%; no homozygotes.

Submissions (2):

Ambry Genetics
Classification: Uncertain significance. Last evaluated: 2025-07-18. Review status: criteria provided, single submitter. Criteria: Ambry Variant Classification Scheme 2023. Collection method: clinical testing. Allele origin: germline.

CeGaT Center for Human Genetics Tuebingen
Classification: Likely benign. Last evaluated: 2024-08-01. Review status: criteria provided, single submitter. Criteria: CeGaT Center For Human Genetics Tuebingen Variant Classification Criteria Version 2. Collection method: clinical testing. Allele origin: germline. Affected: yes. Observed: 1 variant allele.
Comment: FRYL: BP4

NM_015030.2(FRYL):c.5863C>T (p.Arg1955Trp)

Gene: FRYL (FRY like transcription coactivator; minus strand). Cytogenetic location: 4p11.
Variant type: single nucleotide variant.
Coding change: c.5863C>T on transcript NM_015030.2 (MANE Select); coding-DNA position 5863, C replaced by T.
Protein change: p.Arg1955Trp; replaces arginine 1955 with tryptophan.
Molecular consequence: missense variant.
Genome position (GRCh38, 1-based): chr4:48,540,785, G>A on the plus strand (C>T on the coding strand, the complement: FRYL is on the minus strand). VCF-style: chr4-48540785-G-A. GRCh37 (hg19) VCF-style: chr4-48542802-G-A.
Other names: c.5863C>T (NM_015030.1); short protein forms R1955W.
Identifiers: ClinVar variation 3341561 (VCV003341561.17).